The following is an entry in ClinVar:

NM_001376.5(DYNC1H1):c.12878A>C (p.Asp4293Ala)

Gene: DYNC1H1 (dynein cytoplasmic 1 heavy chain 1; plus strand). Cytogenetic location: 14q32.31.
Variant type: single nucleotide variant.
Coding change: c.12878A>C on transcript NM_001376.5 (MANE Select); coding-DNA position 12878, A replaced by C.
Protein change: p.Asp4293Ala; replaces aspartic acid 4293 with alanine.
Molecular consequence: missense variant.
Genome position (GRCh38, 1-based): chr14:102,044,467, A>C. VCF-style: chr14-102044467-A-C. GRCh37 (hg19) VCF-style: chr14-102510804-A-C.
Other names: short protein forms D4293A.
Identifiers: ClinVar variation 2813335 (VCV002813335.3), dbSNP rs2503867918, ClinGen allele CA391044276.
Genomic context (GRCh38, chr14:102,044,467, plus strand): 5'-TCACAACCAGGAGTTTCGACAGTGAGTTTAAGCTGGCATGCAAGGTCGACGGACATAAAG[A>C]CATTCAAATGCCAGATGGCATCAGGTATGCTGCTGCCTGCTGGAATGGAGACAGTTGTGA-3'
Protein context (NP_001367.2, residues 4283-4303): KLACKVDGHK[Asp4293Ala]IQMPDGIRRE

ClinVar aggregate classification (germline): Uncertain significance (1 of 4 stars; one submission).

Conditions:
Charcot-Marie-Tooth disease axonal type 2O. Also called: CHARCOT-MARIE-TOOTH NEUROPATHY, AXONAL, TYPE 2O; CHARCOT-MARIE-TOOTH DISEASE, AXONAL, AUTOSOMAL DOMINANT, TYPE 2O; Charcot-Marie-Tooth Neuropathy Type 2O; Charcot-Marie-Tooth disease, axonal, type 20. Identifiers: Orphanet 284232, MedGen C3280220, MONDO:0013644, OMIM 614228.

Submission:

Labcorp Genetics (formerly Invitae), Labcorp
Classification: Uncertain significance for Charcot-Marie-Tooth disease axonal type 2O. Last evaluated: 2023-03-20. Review status: criteria provided, single submitter. Criteria: Invitae Variant Classification Sherloc (09022015). Collection method: clinical testing. Allele origin: germline.
Comment: This sequence change replaces aspartic acid, which is acidic and polar, with alanine, which is neutral and non-polar, at codon 4293 of the DYNC1H1 protein (p.Asp4293Ala). This variant is not present in population databases (gnomAD no frequency). This variant has not been reported in the literature in individuals affected with DYNC1H1-related conditions. Advanced modeling of protein sequence and biophysical properties (such as structural, functional, and spatial information, amino acid conservation, physicochemical variation, residue mobility, and thermodynamic stability) performed at Invitae indicates that this missense variant is not expected to disrupt DYNC1H1 protein function. In summary, the available evidence is currently insufficient to determine the role of this variant in disease. Therefore, it has been classified as a Variant of Uncertain Significance.